The following is an entry in ClinVar:

NM_178862.3(STT3B):c.1562C>T (p.Ala521Val)

Gene: STT3B (STT3 oligosaccharyltransferase complex catalytic subunit B; plus strand). Cytogenetic location: 3p23.
Variant type: single nucleotide variant.
Coding change: c.1562C>T on transcript NM_178862.3 (MANE Select); coding-DNA position 1562, C replaced by T.
Protein change: p.Ala521Val; replaces alanine 521 with valine.
Molecular consequence: missense variant.
Genome position (GRCh38, 1-based): chr3:31,623,696, C>T. VCF-style: chr3-31623696-C-T. GRCh37 (hg19) VCF-style: chr3-31665188-C-T.
Other names: c.1562C>T (NM_178862.1); short protein forms A521V.
Identifiers: ClinVar variation 2150766 (VCV002150766.5), dbSNP rs754901414, ClinGen allele CA2295229.

ClinVar aggregate classification (germline): Conflicting classifications of pathogenicity. Review status: criteria provided, conflicting classifications (1 of 4 stars). 2 submissions from 2 submitters: Uncertain significance (1); Likely benign (1). Last evaluated 2024-03-07.

Conditions:
STT3B-congenital disorder of glycosylation. Also called: CDG Ix; Congenital disorder of glycosylation type 1x; STT3B-CDG. Identifiers: Orphanet 370924, MedGen C2931007, MONDO:0014271, OMIM 615597.

Allele frequency attached by ClinVar (database versions not stated): TOPMed 0.00002; ExAC 0.00003; gnomAD exomes 0.00003.
gnomAD v4.1: 16 of 1,611,882 alleles (0.00099%); highest among the groups gnomAD compares: Admixed American, 0.027%; no homozygotes.

Submissions (2):

Ambry Genetics
Classification: Likely benign. Last evaluated: 2024-03-07. Review status: criteria provided, single submitter. Criteria: Ambry Variant Classification Scheme 2023. Collection method: clinical testing. Allele origin: germline.

Labcorp Genetics (formerly Invitae), Labcorp
Classification: Uncertain significance for STT3B-congenital disorder of glycosylation. Last evaluated: 2022-11-29. Review status: criteria provided, single submitter. Criteria: Invitae Variant Classification Sherloc (09022015). Collection method: clinical testing. Allele origin: germline.
Comment: In summary, the available evidence is currently insufficient to determine the role of this variant in disease. Therefore, it has been classified as a Variant of Uncertain Significance. Algorithms developed to predict the effect of missense changes on protein structure and function output the following: SIFT: "Tolerated"; PolyPhen-2: "Benign"; Align-GVGD: "Class C0". The valine amino acid residue is found in multiple mammalian species, which suggests that this missense change does not adversely affect protein function. This variant has not been reported in the literature in individuals affected with STT3B-related conditions. This variant is present in population databases (rs754901414, gnomAD 0.02%). This sequence change replaces alanine, which is neutral and non-polar, with valine, which is neutral and non-polar, at codon 521 of the STT3B protein (p.Ala521Val).